The following is an entry in ClinVar:

NM_003072.5(SMARCA4):c.2082C>G (p.Asp694Glu)

Gene: SMARCA4 (SWI/SNF related BAF chromatin remodeling complex subunit ATPase 4; plus strand). Cytogenetic location: 19p13.2.
Variant type: single nucleotide variant.
Coding change: c.2082C>G on transcript NM_003072.5 (MANE Select); coding-DNA position 2082, C replaced by G.
Protein change: p.Asp694Glu; replaces aspartic acid 694 with glutamic acid.
Molecular consequence: missense variant. On other transcripts: non-coding transcript variant (1).
Genome position (GRCh38, 1-based): chr19:11,007,982, C>G. VCF-style: chr19-11007982-C-G. GRCh37 (hg19) VCF-style: chr19-11118658-C-G.
Other names: c.2082C>G, p.Asp694Glu (NM_001128844.3, NM_001128845.2, NM_001128846.2 and 4 more transcripts); short protein forms D694E.
Identifiers: ClinVar variation 853364 (VCV000853364.11), dbSNP rs373420556, ClinGen allele CA404052538.

ClinVar aggregate classification (germline): Uncertain significance. Review status: criteria provided, multiple submitters, no conflicts (2 of 4 stars). 2 submissions from 2 submitters: Uncertain significance (2). Last evaluated 2025-07-21.

Conditions:
Hereditary cancer-predisposing syndrome. Also called: Neoplastic Syndromes, Hereditary; Hereditary Cancer Syndrome; Tumor predisposition; Hereditary neoplastic syndrome. Identifiers: Orphanet 140162, MedGen C0027672, MeSH D009386, MONDO:0015356.
Rhabdoid tumor predisposition syndrome 2 (RTPS2). Identifiers: Orphanet 231108, Orphanet 69077, MedGen C2750074, MONDO:0013224, OMIM 613325.

Allele frequency attached by ClinVar (database versions not stated): gnomAD exomes below 0.00001.
gnomAD v4.1: 1 of 1,613,766 alleles (0.000062%); highest among the groups gnomAD compares: East Asian, 0.0022%; no homozygotes.

Submissions (2):

Labcorp Genetics (formerly Invitae), Labcorp
Classification: Uncertain significance for Rhabdoid tumor predisposition syndrome 2. Last evaluated: 2025-07-21. Review status: criteria provided, single submitter. Criteria: Invitae Variant Classification Sherloc (09022015). Collection method: clinical testing. Allele origin: germline.
Comment: This sequence change replaces aspartic acid, which is acidic and polar, with glutamic acid, which is acidic and polar, at codon 694 of the SMARCA4 protein (p.Asp694Glu). This variant is not present in population databases (gnomAD no frequency). This variant has not been reported in the literature in individuals affected with SMARCA4-related conditions. ClinVar contains an entry for this variant (Variation ID: 853364). Invitae Evidence Modeling of protein sequence and biophysical properties (such as structural, functional, and spatial information, amino acid conservation, physicochemical variation, residue mobility, and thermodynamic stability) indicates that this missense variant is not expected to disrupt SMARCA4 protein function with a negative predictive value of 95%. In summary, the available evidence is currently insufficient to determine the role of this variant in disease. Therefore, it has been classified as a Variant of Uncertain Significance.

Ambry Genetics
Classification: Uncertain significance for Hereditary cancer-predisposing syndrome. Last evaluated: 2023-02-08. Review status: criteria provided, single submitter. Criteria: Ambry Variant Classification Scheme 2023. Collection method: clinical testing. Allele origin: germline.
Comment: The p.D694E variant (also known as c.2082C>G), located in coding exon 13 of the SMARCA4 gene, results from a C to G substitution at nucleotide position 2082. The aspartic acid at codon 694 is replaced by glutamic acid, an amino acid with highly similar properties. This amino acid position is well conserved in available vertebrate species. In addition, this alteration is predicted to be tolerated by in silico analysis. Missense and in-frame variants in SMARCA4 are known to cause neurodevelopmental disorders; however, such associations with rhabdoid tumor predisposition syndrome including small cell carcinoma of the ovary-hypercalcemic type (SCCOHT) are exceedingly rare (Kosho T et al. Am J Med Genet C Semin Med Genet. 2014 Sep;166C(3):262-75; Jelinic P et al. Nat Genet. 2014 May;46(5):424-6). Based on the supporting evidence, the association of this alteration with Coffin-Siris syndrome is unknown; however, the association of this alteration with rhabdoid tumor predisposition syndrome is unlikely.